The following is an entry in ClinVar:

ClinVar aggregate classification (germline): Uncertain significance (1 of 4 stars; one submission).

Conditions:
Hereditary cancer-predisposing syndrome. Also called: Neoplastic Syndromes, Hereditary; Tumor predisposition; Hereditary Cancer Syndrome; Hereditary neoplastic syndrome. Identifiers: Orphanet 140162, MedGen C0027672, MeSH D009386, MONDO:0015356.

Submission:

Ambry Genetics
Classification: Uncertain significance for Hereditary cancer-predisposing syndrome. Last evaluated: 2025-06-27. Review status: criteria provided, single submitter. Criteria: Ambry Variant Classification Scheme 2023. Collection method: clinical testing. Allele origin: germline.
Comment: The p.L115P variant (also known as c.344T>C), located in coding exon 4 of the ATM gene, results from a T to C substitution at nucleotide position 344. The leucine at codon 115 is replaced by proline, an amino acid with similar properties. This amino acid position is highly conserved in available vertebrate species. In addition, this alteration is predicted to be deleterious by in silico analysis. Based on the available evidence, the clinical significance of this variant remains unclear.

NM_000051.4(ATM):c.344T>C (p.Leu115Pro)

Gene: ATM (ATM serine/threonine kinase; plus strand). Cytogenetic location: 11q22.3.
Variant type: single nucleotide variant.
Coding change: c.344T>C on transcript NM_000051.4 (MANE Select); coding-DNA position 344, T replaced by C.
Protein change: p.Leu115Pro; replaces leucine 115 with proline.
Molecular consequence: missense variant.
Genome position (GRCh38, 1-based): chr11:108,235,682, T>C. VCF-style: chr11-108235682-T-C. GRCh37 (hg19) VCF-style: chr11-108106409-T-C.
Other names: c.344T>C, p.Leu115Pro (NM_001351834.2); short protein forms L115P.
Identifiers: ClinVar variation 4168941 (VCV004168941.1).
Genomic context (GRCh38, chr11:108,235,682, plus strand): 5'-ATTTTTGTTCAAATTTATGTTTTTCTTTATTTGTTTATTTTGAAATAGGAGCACCTAGGC[T>C]AAAATGTCAAGAACTCTTAAATTATATCATGGATACAGTGAAAGATTCATCTAATGGTGC-3'
Protein context (NP_000042.3, residues 105-125): IKCANRRAPR[Leu115Pro]KCQELLNYIM